The following is an entry in ClinVar:

NM_004373.4(COX6A1):c.101C>G (p.Ser34Ter)

Gene: COX6A1 (cytochrome c oxidase subunit 6A1; plus strand). Cytogenetic location: 12q24.31.
Variant type: single nucleotide variant.
Coding change: c.101C>G on transcript NM_004373.4 (MANE Select); coding-DNA position 101, C replaced by G.
Protein change: p.Ser34Ter; replaces serine 34 with a stop codon.
Molecular consequence: nonsense.
Genome position (GRCh38, 1-based): chr12:120,438,227, C>G. VCF-style: chr12-120438227-C-G. GRCh37 (hg19) VCF-style: chr12-120876030-C-G.
Other names: short protein forms S34*.
Identifiers: ClinVar variation 1932292 (VCV001932292.5), dbSNP rs755484880, ClinGen allele CA386568402.

ClinVar aggregate classification (germline): Uncertain significance (1 of 4 stars; one submission).

Submission:

Labcorp Genetics (formerly Invitae), Labcorp
Classification: Uncertain significance. Last evaluated: 2022-01-18. Review status: criteria provided, single submitter. Criteria: Invitae Variant Classification Sherloc (09022015). Collection method: clinical testing. Allele origin: germline.
Comment: This variant is not present in population databases (gnomAD no frequency). This sequence change creates a premature translational stop signal (p.Ser34*) in the COX6A1 gene. It is expected to result in an absent or disrupted protein product. However, the current clinical and genetic evidence is not sufficient to establish whether loss-of-function variants in COX6A1 cause disease. In summary, the available evidence is currently insufficient to determine the role of this variant in disease. Therefore, it has been classified as a Variant of Uncertain Significance. This variant has not been reported in the literature in individuals affected with COX6A1-related conditions.